The following is an entry in ClinVar:

ClinVar aggregate classification (germline): Conflicting classifications of pathogenicity. Review status: criteria provided, conflicting classifications (1 of 4 stars). 3 submissions from 3 submitters: Likely pathogenic (1); Uncertain significance (2). Last evaluated 2024-06-26.

Conditions:
Hereditary cancer-predisposing syndrome. Also called: Neoplastic Syndromes, Hereditary; Tumor predisposition; Hereditary Cancer Syndrome; Hereditary neoplastic syndrome. Identifiers: Orphanet 140162, MedGen C0027672, MeSH D009386, MONDO:0015356.
Cardiovascular phenotype. Identifiers: MedGen CN230736.
LZTR1-related schwannomatosis. Also called: Schwannomatosis-2, susceptibility to; Schwannomatosis 2. Identifiers: Orphanet 93921, MedGen C3810283, MONDO:0014299, OMIM 615670.

Allele frequency attached by ClinVar (database versions not stated): gnomAD exomes below 0.00001.
gnomAD v4.1: 3 of 1,612,834 alleles (0.00019%); highest among the groups gnomAD compares: East Asian, 0.0022%; no homozygotes.

Submissions (3):

Ambry Genetics
Classification: Uncertain significance for Cardiovascular phenotype; Hereditary cancer-predisposing syndrome. Last evaluated: 2024-06-26. Review status: criteria provided, single submitter. Criteria: Ambry Variant Classification Scheme 2023. Collection method: clinical testing. Allele origin: germline.
Comment: The p.F258S variant (also known as c.773T>C), located in coding exon 8 of the LZTR1 gene, results from a T to C substitution at nucleotide position 773. The phenylalanine at codon 258 is replaced by serine, an amino acid with highly dissimilar properties. This amino acid position is highly conserved. In addition, this alteration is predicted to be deleterious by in silico analysis. Since supporting evidence is limited at this time, the clinical significance of this alteration remains unclear.

CeGaT Center for Human Genetics Tuebingen
Classification: Uncertain significance. Last evaluated: 2023-03-01. Review status: criteria provided, single submitter. Criteria: CeGaT Center For Human Genetics Tuebingen Variant Classification Criteria Version 2. Collection method: clinical testing. Allele origin: germline. Affected: yes. Observed: 1 variant allele.
Comment: LZTR1: PM2

Clinical Genetics Service, Universitary Hospital 12 de Octubre
Classification: Likely pathogenic for LZTR1-related schwannomatosis. Review status: criteria provided, single submitter. Criteria: ACMG Guidelines, 2015. Collection method: clinical testing. Allele origin: paternal. Affected: yes.

NM_006767.4(LZTR1):c.773T>C (p.Phe258Ser)

Gene: LZTR1 (leucine zipper like post translational regulator 1; plus strand). Cytogenetic location: 22q11.21.
Variant type: single nucleotide variant.
Coding change: c.773T>C on transcript NM_006767.4 (MANE Select); coding-DNA position 773, T replaced by C.
Protein change: p.Phe258Ser; replaces phenylalanine 258 with serine.
Molecular consequence: missense variant.
Genome position (GRCh38, 1-based): chr22:20,990,507, T>C. VCF-style: chr22-20990507-T-C. GRCh37 (hg19) VCF-style: chr22-21344796-T-C.
Other names: c.773T>C (NM_006767.3); short protein forms F258S.
Identifiers: ClinVar variation 2652926 (VCV002652926.27), dbSNP rs1358738000, ClinGen allele CA410780676.